The following is an entry in ClinVar:

NM_003611.3(OFD1):c.2388-3T>C

Gene: OFD1 (OFD1 centriole and centriolar satellite protein; plus strand). Cytogenetic location: Xp22.2.
Variant type: single nucleotide variant.
Coding change: c.2388-3T>C on transcript NM_003611.3 (MANE Select); 3 bases into the intron before coding-DNA position 2388, T replaced by C.
Molecular consequence: intron variant.
Genome position (GRCh38, 1-based): chrX:13,762,341, T>C. VCF-style: chrX-13762341-T-C. GRCh37 (hg19) VCF-style: chrX-13780460-T-C.
Other names: c.1968-3T>C (NM_001330210.2); c.2268-3T>C (NM_001330209.2).
Identifiers: ClinVar variation 1429981 (VCV001429981.7), dbSNP rs1301197444, ClinGen allele CA640497742.

ClinVar aggregate classification (germline): Uncertain significance. Review status: criteria provided, multiple submitters, no conflicts (2 of 4 stars). 2 submissions from 2 submitters: Uncertain significance (2). Last evaluated 2024-12-03.

Conditions:
Orofaciodigital syndrome I (OFD1). Also called: Papillon-Leage and Psaume Syndrome; Oral-Facial-Digital Syndrome Type I; OFDS I. Identifiers: Orphanet 2750, MedGen C1510460, MONDO:0010702, OMIM 311200.
Joubert syndrome. Also called: Familial aplasia of the vermis; JOUBERT-BOLTSHAUSER SYNDROME. Identifiers: Orphanet 475, MedGen C5979921, MONDO:0018772.

Allele frequency attached by ClinVar (database versions not stated): gnomAD 0.00001; TOPMed 0.00001.

Submissions (2):

Labcorp Genetics (formerly Invitae), Labcorp
Classification: Uncertain significance for Orofaciodigital syndrome I; Joubert syndrome. Last evaluated: 2024-12-03. Review status: criteria provided, single submitter. Criteria: Invitae Variant Classification Sherloc (09022015). Collection method: clinical testing. Allele origin: germline.
Comment: This sequence change falls in intron 17 of the OFD1 gene. It does not directly change the encoded amino acid sequence of the OFD1 protein. It affects a nucleotide within the consensus splice site. This variant is not present in population databases (gnomAD no frequency). This variant has not been reported in the literature in individuals affected with OFD1-related conditions. ClinVar contains an entry for this variant (Variation ID: 1429981). Variants that disrupt the consensus splice site are a relatively common cause of aberrant splicing (PMID: 17576681, 9536098). Algorithms developed to predict the effect of sequence changes on RNA splicing suggest that this variant is not likely to affect RNA splicing. In summary, the available evidence is currently insufficient to determine the role of this variant in disease. Therefore, it has been classified as a Variant of Uncertain Significance.

Blueprint Genetics
Classification: Uncertain significance. Last evaluated: 2019-10-29. Review status: criteria provided, single submitter. Criteria: ACMG Guidelines, 2015. Collection method: clinical testing. Allele origin: germline.

Literature cited by the submitters: PubMed 17576681 (cited by Labcorp Genetics (formerly Invitae), Labcorp); PubMed 9536098 (cited by Labcorp Genetics (formerly Invitae), Labcorp).